The following is an entry in ClinVar:

ClinVar aggregate classification (germline): Uncertain significance (1 of 4 stars; one submission).

Submission:

GeneDx
Classification: Uncertain significance. Last evaluated: 2022-09-02. Review status: criteria provided, single submitter. Criteria: GeneDx Variant Classification Process June 2021. Collection method: clinical testing. Allele origin: germline. Affected: yes.
Comment: Not observed at significant frequency in large population cohorts (gnomAD); In silico analysis supports that this missense variant has a deleterious effect on protein structure/function; Has not been previously published as pathogenic or benign to our knowledge

NM_001220.5(CAMK2B):c.583G>A (p.Val195Met)

Gene: CAMK2B (calcium/calmodulin dependent protein kinase II beta; minus strand). Cytogenetic location: 7p13.
Variant type: single nucleotide variant.
Coding change: c.583G>A on transcript NM_001220.5 (MANE Select); coding-DNA position 583, G replaced by A.
Protein change: p.Val195Met; replaces valine 195 with methionine.
Molecular consequence: missense variant.
Genome position (GRCh38, 1-based): chr7:44,243,268, C>T on the plus strand (G>A on the coding strand, the complement: CAMK2B is on the minus strand). VCF-style: chr7-44243268-C-T. GRCh37 (hg19) VCF-style: chr7-44282867-C-T.
Other names: c.583G>A, p.Val195Met (NM_001293170.2, NM_172078.3, NM_172079.3 and 5 more transcripts); short protein forms V195M.
Identifiers: ClinVar variation 1311448 (VCV001311448.3), dbSNP rs2128970760, ClinGen allele CA367365579.